The following is an entry in ClinVar:

ClinVar aggregate classification (germline): Likely benign. Review status: criteria provided, single submitter (1 of 4 stars). 2 submissions from 2 submitters: Likely benign (1). 1 of the submissions does not count toward it. Last evaluated 2025-02-12.

Conditions:
Epidermolysis bullosa simplex with nail dystrophy (EBS5D). Identifiers: MedGen C4225309, MONDO:0014661, OMIM 616487.
Epidermolysis bullosa simplex 5C, with pyloric atresia (EBS5C). Also called: PLEC-Related Epidermolysis Bullosa with Pyloric Atresia; Epidermolysis bullosa simplex with pyloric atresia; PLEC1-Related Epidermolysis Bullosa with Pyloric Atresia. Identifiers: Orphanet 158684, MedGen C2677349, MONDO:0012807, OMIM 612138.
Epidermolysis bullosa simplex 5B, with muscular dystrophy (EBS5B). Also called: EPIDERMOLYSIS BULLOSA SIMPLEX AND LIMB-GIRDLE MUSCULAR DYSTROPHY; Epidermolysis bullosa simplex with muscular dystrophy. Identifiers: Orphanet 257, MedGen C2931072, MONDO:0009181, OMIM 226670.
Epidermolysis bullosa simplex, Ogna type (EBS5A). Also called: Pidermolysis bullosa simplex 5A, Ogna type; EPIDERMOLYSIS BULLOSA SIMPLEX 5A, OGNA TYPE. Identifiers: Orphanet 79401, MedGen C0432317, MONDO:0007555, OMIM 131950.
Autosomal recessive limb-girdle muscular dystrophy type 2Q (LGMDR17). Also called: MUSCULAR DYSTROPHY, LIMB-GIRDLE, AUTOSOMAL RECESSIVE 17. Identifiers: Orphanet 254361, MedGen C3150989, MONDO:0013390, OMIM 613723.
PLEC-related disorder. Also called: PLEC-related condition; PLEC-related disorders.

Allele frequency attached by ClinVar (database versions not stated): gnomAD 0.00006 and 0.00007; gnomAD exomes 0.00006 and 0.00011; ESP Exome Variant Server 0.00008; TOPMed 0.00011; ExAC 0.00019; 1000 Genomes Project 30x 0.00078; 1000 Genomes Project 0.00080.
gnomAD v4.1: 112 of 1,541,018 alleles (0.0073%); highest among the groups gnomAD compares: South Asian, 0.033%; no homozygotes.

Submissions (2):

Labcorp Genetics (formerly Invitae), Labcorp
Classification: Likely benign for Autosomal recessive limb-girdle muscular dystrophy type 2Q; Epidermolysis bullosa simplex, Ogna type; Epidermolysis bullosa simplex with nail dystrophy; Epidermolysis bullosa simplex 5C, with pyloric atresia; Epidermolysis bullosa simplex 5B, with muscular dystrophy. Last evaluated: 2025-02-12. Review status: criteria provided, single submitter. Criteria: Invitae Variant Classification Sherloc (09022015). Collection method: clinical testing. Allele origin: germline.

PreventionGenetics, part of Exact Sciences
Classification: Likely benign for PLEC-related condition. Last evaluated: 2024-09-24. Review status: no assertion criteria provided. Collection method: clinical testing. Allele origin: germline. Not counted in ClinVar's aggregate classification.
Comment: This variant is classified as likely benign based on ACMG/AMP sequence variant interpretation guidelines (Richards et al. 2015 PMID: 25741868, with internal and published modifications).

NM_201384.3(PLEC):c.7695C>T (p.Gly2565=)

Gene: PLEC (plectin; minus strand). Cytogenetic location: 8q24.3.
Variant type: single nucleotide variant.
Coding change: c.7695C>T on transcript NM_201384.3 (MANE Select); coding-DNA position 7695, C replaced by T.
Protein change: p.Gly2565=; no amino-acid change (glycine 2565 retained).
Molecular consequence: synonymous variant.
Genome position (GRCh38, 1-based): chr8:143,922,126, G>A on the plus strand (C>T on the coding strand, the complement: PLEC is on the minus strand). VCF-style: chr8-143922126-G-A. GRCh37 (hg19) VCF-style: chr8-144996294-G-A.
Other names: c.7776C>T, p.Gly2592= (NM_000445.5); c.7653C>T, p.Gly2551= (NM_201378.4); c.7629C>T, p.Gly2543= (NM_201379.3); c.8106C>T, p.Gly2702= (NM_201380.4); c.7599C>T, p.Gly2533= (NM_201381.3); c.7695C>T, p.Gly2565= (NM_201382.4); c.7707C>T, p.Gly2569= (NM_201383.3); c.7776C>T (NM_000445.4).
Identifiers: ClinVar variation 1415796 (VCV001415796.7), dbSNP rs371579474, ClinGen allele CA4925543.